The following is an entry in ClinVar:

NM_006745.5(MSMO1):c.195C>A (p.Phe65Leu)

Gene: MSMO1 (methylsterol monooxygenase 1; plus strand). Cytogenetic location: 4q32.3.
Variant type: single nucleotide variant.
Coding change: c.195C>A on transcript NM_006745.5 (MANE Select); coding-DNA position 195, C replaced by A.
Protein change: p.Phe65Leu; replaces phenylalanine 65 with leucine.
Molecular consequence: missense variant. On other transcripts: intron variant (1).
Genome position (GRCh38, 1-based): chr4:165,333,565, C>A. VCF-style: chr4-165333565-C-A. GRCh37 (hg19) VCF-style: chr4-166254717-C-A.
Other names: c.-138-4224C>A (NM_001017369.3); short protein forms F65L.
Identifiers: ClinVar variation 3012308 (VCV003012308.3), dbSNP rs1172820720, ClinGen allele CA358684417.
Genomic context (GRCh38, chr4:165,333,565, plus strand): 5'-AAAGTTCCAGATTGCAACATGGGGATCCCTTATAGTTCATGAAGCCCTTTATTTCTTATT[C>A]TGTTTACCTGGATTTTTATTTCAATTTATACCTTATATGAAAAAATACAAAATTCAAAAG-3'
Protein context (NP_006736.1, residues 55-75): LIVHEALYFL[Phe65Leu]CLPGFLFQFI

ClinVar aggregate classification (germline): Uncertain significance (1 of 4 stars; one submission).

Allele frequency attached by ClinVar (database versions not stated): gnomAD exomes 0.00001.
gnomAD v4.1: 10 of 1,607,036 alleles (0.00062%); highest among the groups gnomAD compares: Admixed American, 0.0017%; no homozygotes.

Submission:

Labcorp Genetics (formerly Invitae), Labcorp
Classification: Uncertain significance. Last evaluated: 2023-12-21. Review status: criteria provided, single submitter. Criteria: Invitae Variant Classification Sherloc (09022015). Collection method: clinical testing. Allele origin: germline.
Comment: This sequence change replaces phenylalanine, which is neutral and non-polar, with leucine, which is neutral and non-polar, at codon 65 of the MSMO1 protein (p.Phe65Leu). This variant is present in population databases (no rsID available, gnomAD 0.002%). This variant has not been reported in the literature in individuals affected with MSMO1-related conditions. Advanced modeling of protein sequence and biophysical properties (such as structural, functional, and spatial information, amino acid conservation, physicochemical variation, residue mobility, and thermodynamic stability) performed at Invitae indicates that this missense variant is not expected to disrupt MSMO1 protein function with a negative predictive value of 80%. In summary, the available evidence is currently insufficient to determine the role of this variant in disease. Therefore, it has been classified as a Variant of Uncertain Significance.